The following is an entry in ClinVar:

ClinVar aggregate classification (germline): Uncertain significance (1 of 4 stars; one submission).

Conditions:
Hereditary cancer-predisposing syndrome. Also called: Hereditary Cancer Syndrome; Hereditary neoplastic syndrome; Neoplastic Syndromes, Hereditary; Tumor predisposition. Identifiers: Orphanet 140162, MedGen C0027672, MeSH D009386, MONDO:0015356.

Submission:

Ambry Genetics
Classification: Uncertain significance for Hereditary cancer-predisposing syndrome. Last evaluated: 2021-01-28. Review status: criteria provided, single submitter. Criteria: Ambry Variant Classification Scheme 2023. Collection method: clinical testing. Allele origin: germline.
Comment: The p.S320I variant (also known as c.959G>T), located in coding exon 3 of the BLM gene, results from a G to T substitution at nucleotide position 959. The amino acid change results in serine to isoleucine at codon 320, an amino acid with dissimilar properties. However, this change occurs in the last base pair of coding exon 3, which makes it likely to have some effect on normal mRNA splicing. This nucleotide position is highly conserved in available vertebrate species. In silico splice site analysis predicts that this alteration will weaken the native splice donor site. This amino acid position is highly conserved in available vertebrate species. In addition, as a missense substitution this is predicted to be tolerated by in silico analysis. Since supporting evidence is limited at this time, the clinical significance of this alteration remains unclear.

NM_000057.4(BLM):c.959G>T (p.Ser320Ile)

Gene: BLM (BLM RecQ like helicase; plus strand). Cytogenetic location: 15q26.1.
Variant type: single nucleotide variant.
Coding change: c.959G>T on transcript NM_000057.4 (MANE Select); coding-DNA position 959, G replaced by T.
Protein change: p.Ser320Ile; replaces serine 320 with isoleucine.
Molecular consequence: missense variant. On other transcripts: 5 prime UTR variant (1).
Genome position (GRCh38, 1-based): chr15:90,751,946, G>T. VCF-style: chr15-90751946-G-T. GRCh37 (hg19) VCF-style: chr15-91295176-G-T.
Other names: c.959G>T, p.Ser320Ile (NM_001287246.2, NM_001287247.2); c.-333G>T (NM_001287248.2); short protein forms S320I.
Identifiers: ClinVar variation 1767506 (VCV001767506.2), dbSNP rs757112333, ClinGen allele CA393841966.